The following is an entry in ClinVar:

ClinVar aggregate classification (germline): Pathogenic (1 of 4 stars; one submission).

Conditions:
Short-rib thoracic dysplasia 7 with or without polydactyly (SRTD7). Also called: Short rib polydactyly syndrome 5; SHORT-RIB THORACIC DYSPLASIA 7 WITH POLYDACTYLY. Identifiers: Orphanet 498497, Orphanet 93271, MedGen C3279792, MONDO:0013569, OMIM 614091.
Cranioectodermal dysplasia 2 (CED2). Identifiers: Orphanet 1515, MedGen C3150874, MONDO:0013323, OMIM 613610.

Submission:

Labcorp Genetics (formerly Invitae), Labcorp
Classification: Pathogenic for Cranioectodermal dysplasia 2; Short-rib thoracic dysplasia 7 with or without polydactyly. Last evaluated: 2021-10-29. Review status: criteria provided, single submitter. Criteria: Invitae Variant Classification Sherloc (09022015). Collection method: clinical testing. Allele origin: germline.
Comment: For these reasons, this variant has been classified as Pathogenic. This variant has not been reported in the literature in individuals affected with WDR35-related conditions. This variant is a gross deletion of the genomic region encompassing exon(s) 2 of the WDR35 gene. This deletion is out-of-frame, and is expected to create a premature termination codon and result in an absent or disrupted protein product. Loss-of-function variants in WDR35 are known to be pathogenic (PMID: 22486404, 29068549).

Literature cited by the submitters: PubMed 22486404; PubMed 29068549.

NC_000002.11:g.(?_20188906)_(20189063_?)del

Gene: WDR35 (WD repeat domain 35; minus strand). Cytogenetic location: 2p24.1.
Variant type: Deletion.
Identifiers: ClinVar variation 2423459 (VCV002423459.4).